The following is an entry in ClinVar:

ClinVar aggregate classification (germline): Uncertain significance. Review status: criteria provided, multiple submitters, no conflicts (2 of 4 stars). 2 submissions from 2 submitters: Uncertain significance (2). Last evaluated 2025-11-12.

Conditions:
Inborn genetic diseases. Identifiers: MedGen C0950123, MeSH D030342.

gnomAD v4.1: 10 of 1,614,190 alleles (0.00062%); highest among the groups gnomAD compares: Admixed American, 0.01%; no homozygotes.

Submissions (2):

Ambry Genetics
Classification: Uncertain significance for Inborn genetic diseases. Last evaluated: 2025-11-12. Review status: criteria provided, single submitter. Criteria: Ambry Variant Classification Scheme 2023. Collection method: clinical testing. Allele origin: germline.

Labcorp Genetics (formerly Invitae), Labcorp
Classification: Uncertain significance. Last evaluated: 2022-04-09. Review status: criteria provided, single submitter. Criteria: Invitae Variant Classification Sherloc (09022015). Collection method: clinical testing. Allele origin: germline.
Comment: This sequence change replaces glutamine, which is neutral and polar, with histidine, which is basic and polar, at codon 2988 of the DMXL2 protein (p.Gln2988His). This variant is present in population databases (no rsID available, gnomAD 0.01%). This variant has not been reported in the literature in individuals affected with DMXL2-related conditions. Algorithms developed to predict the effect of missense changes on protein structure and function are either unavailable or do not agree on the potential impact of this missense change (SIFT: "Tolerated"; PolyPhen-2: "Possibly Damaging"; Align-GVGD: "Class C0"). In summary, the available evidence is currently insufficient to determine the role of this variant in disease. Therefore, it has been classified as a Variant of Uncertain Significance.

NM_001378457.1(DMXL2):c.9027G>C (p.Gln3009His)

Gene: DMXL2 (Dmx like 2; minus strand). Cytogenetic location: 15q21.2.
Variant type: single nucleotide variant.
Coding change: c.9027G>C on transcript NM_001378457.1 (MANE Select); coding-DNA position 9027, G replaced by C.
Protein change: p.Gln3009His; replaces glutamine 3009 with histidine.
Molecular consequence: missense variant. On other transcripts: non-coding transcript variant (2).
Genome position (GRCh38, 1-based): chr15:51,449,134, C>G on the plus strand (G>C on the coding strand, the complement: DMXL2 is on the minus strand). VCF-style: chr15-51449134-C-G. GRCh37 (hg19) VCF-style: chr15-51741331-C-G.
Other names: c.8964G>C (NM_001174116.1); c.8964G>C, p.Gln2988His (NM_001174116.3); c.7053G>C, p.Gln2351His (NM_001174117.3); c.9024G>C, p.Gln3008His (NM_001378458.1); c.8739G>C, p.Gln2913His (NM_001378459.1); c.6942G>C, p.Gln2314His (NM_001378460.1); c.8961G>C, p.Gln2987His (NM_015263.5); short protein forms Q2314H, Q2988H, Q2351H, Q2913H, Q3008H, Q2987H, Q3009H.
Identifiers: ClinVar variation 1922467 (VCV001922467.3), dbSNP rs1424424329, ClinGen allele CA392429009.